The following is an entry in ClinVar:

NM_002230.4(JUP):c.238G>A (p.Ala80Thr)

Gene: JUP (junction plakoglobin; minus strand). Cytogenetic location: 17q21.2.
Variant type: single nucleotide variant.
Coding change: c.238G>A on transcript NM_002230.4 (MANE Select); coding-DNA position 238, G replaced by A.
Protein change: p.Ala80Thr; replaces alanine 80 with threonine.
Molecular consequence: missense variant.
Genome position (GRCh38, 1-based): chr17:41,769,648, C>T on the plus strand (G>A on the coding strand, the complement: JUP is on the minus strand). VCF-style: chr17-41769648-C-T. GRCh37 (hg19) VCF-style: chr17-39925900-C-T.
Other names: c.238G>A, p.Ala80Thr (NM_001352773.2, NM_001352774.2, NM_001352775.2 and 3 more transcripts); short protein forms A80T.
Identifiers: ClinVar variation 2054695 (VCV002054695.8), dbSNP rs575015278, ClinGen allele CA290700938.

ClinVar aggregate classification (germline): Uncertain significance. Review status: criteria provided, multiple submitters, no conflicts (2 of 4 stars). 3 submissions from 3 submitters: Uncertain significance (3). Last evaluated 2024-11-13.

Conditions:
Naxos disease (NXD). Also called: KERATOSIS PALMOPLANTARIS WITH ARRHYTHMOGENIC CARDIOMYOPATHY; MAL DE NAXOS; PALMOPLANTAR KERATODERMA WITH ARRHYTHMOGENIC RIGHT VENTRICULAR CARDIOMYOPATHY AND WOOLLY HAIR; WOOLLY HAIR, PALMOPLANTAR KERATODERMA, AND CARDIAC ABNORMALITIES; CARDIOMYOPATHY, ARRHYTHMOGENIC RIGHT VENTRICULAR, WITH SKIN, HAIR, AND NAIL ABNORMALITIES. Identifiers: Orphanet 34217, MedGen C1832600, MONDO:0011017, OMIM 601214.
Arrhythmogenic right ventricular dysplasia 12. Also called: ARRHYTHMOGENIC RIGHT VENTRICULAR DYSPLASIA, FAMILIAL, 12. Identifiers: MedGen C1969081, MONDO:0012684, OMIM 611528.
Cardiovascular phenotype. Identifiers: MedGen CN230736.

Allele frequency attached by ClinVar (database versions not stated): gnomAD exomes below 0.00001.

Submissions (3):

Labcorp Genetics (formerly Invitae), Labcorp
Classification: Uncertain significance for Arrhythmogenic right ventricular dysplasia 12; Naxos disease. Last evaluated: 2024-11-13. Review status: criteria provided, single submitter. Criteria: Invitae Variant Classification Sherloc (09022015). Collection method: clinical testing. Allele origin: germline.
Comment: This sequence change replaces alanine, which is neutral and non-polar, with threonine, which is neutral and polar, at codon 80 of the JUP protein (p.Ala80Thr). This variant is not present in population databases (gnomAD no frequency). This variant has not been reported in the literature in individuals affected with JUP-related conditions. ClinVar contains an entry for this variant (Variation ID: 2054695). An algorithm developed to predict the effect of missense changes on protein structure and function outputs the following: PolyPhen-2: "Benign". The threonine amino acid residue is found in multiple mammalian species, which suggests that this missense change does not adversely affect protein function. In summary, the available evidence is currently insufficient to determine the role of this variant in disease. Therefore, it has been classified as a Variant of Uncertain Significance.

Ambry Genetics
Classification: Uncertain significance for Cardiovascular phenotype. Last evaluated: 2024-06-15. Review status: criteria provided, single submitter. Criteria: Ambry Variant Classification Scheme 2023. Collection method: clinical testing. Allele origin: germline.
Comment: The p.A80T variant (also known as c.238G>A), located in coding exon 2 of the JUP gene, results from a G to A substitution at nucleotide position 238. The alanine at codon 80 is replaced by threonine, an amino acid with similar properties. This amino acid position is conserved. In addition, this alteration is predicted to be tolerated by in silico analysis. Based on the available evidence, the clinical significance of this variant remains unclear.

Women's Health and Genetics/Laboratory Corporation of America, LabCorp
Classification: Uncertain significance. Last evaluated: 2024-03-03. Review status: criteria provided, single submitter. Criteria: LabCorp Variant Classification Summary - May 2015. Collection method: clinical testing. Allele origin: germline.